The following is an entry in ClinVar:

NM_024589.3(ROGDI):c.117+5C>G

Gene: ROGDI (rogdi atypical leucine zipper; minus strand). Cytogenetic location: 16p13.3.
Variant type: single nucleotide variant.
Coding change: c.117+5C>G on transcript NM_024589.3 (MANE Select); 5 bases into the intron after coding-DNA position 117, C replaced by G.
Molecular consequence: intron variant.
Genome position (GRCh38, 1-based): chr16:4,802,377, G>C on the plus strand (C>G on the coding strand, the complement: ROGDI is on the minus strand). VCF-style: chr16-4802377-G-C. GRCh37 (hg19) VCF-style: chr16-4852378-G-C.
Identifiers: ClinVar variation 1401368 (VCV001401368.6), dbSNP rs761951820, ClinGen allele CA974005953.

ClinVar aggregate classification (germline): Uncertain significance (1 of 4 stars; one submission).

Conditions:
Amelocerebrohypohidrotic syndrome (KTZS). Also called: EPILEPSY AND YELLOW TEETH; EPILEPSY, DEMENTIA, AND AMELOGENESIS IMPERFECTA; KOHLSCHUTTER SYNDROME; Kohlschutter's syndrome. Identifiers: Orphanet 1946, MedGen C0406740, MONDO:0009185, OMIM 226750.

gnomAD v4.1: 2 of 1,568,394 alleles (0.00013%); highest among the groups gnomAD compares: Admixed American, 0.0019%; no homozygotes.

Submission:

Labcorp Genetics (formerly Invitae), Labcorp
Classification: Uncertain significance for Amelocerebrohypohidrotic syndrome. Last evaluated: 2021-10-28. Review status: criteria provided, single submitter. Criteria: Invitae Variant Classification Sherloc (09022015). Collection method: clinical testing. Allele origin: germline.
Comment: In summary, the available evidence is currently insufficient to determine the role of this variant in disease. Therefore, it has been classified as a Variant of Uncertain Significance. Variants that disrupt the consensus splice site are a relatively common cause of aberrant splicing (PMID: 17576681, 9536098). Algorithms developed to predict the effect of sequence changes on RNA splicing suggest that this variant is not likely to affect RNA splicing. This variant has not been reported in the literature in individuals affected with ROGDI-related conditions. This variant is not present in population databases (gnomAD no frequency). This sequence change falls in intron 2 of the ROGDI gene. It does not directly change the encoded amino acid sequence of the ROGDI protein. It affects a nucleotide within the consensus splice site.

Literature cited by the submitters: PubMed 17576681; PubMed 9536098.